The following is an entry in ClinVar:

NM_002474.3(MYH11):c.2173C>T (p.Arg725Cys)

Gene: MYH11 (myosin heavy chain 11; minus strand). Cytogenetic location: 16p13.11.
Variant type: single nucleotide variant.
Coding change: c.2173C>T on transcript NM_002474.3 (MANE Select); coding-DNA position 2173, C replaced by T.
Protein change: p.Arg725Cys; replaces arginine 725 with cysteine.
Molecular consequence: missense variant.
Genome position (GRCh38, 1-based): chr16:15,748,054, G>A on the plus strand (C>T on the coding strand, the complement: MYH11 is on the minus strand). VCF-style: chr16-15748054-G-A. GRCh37 (hg19) VCF-style: chr16-15841911-G-A.
Other names: c.2194C>T, p.Arg732Cys (NM_001040113.2, NM_001040114.2); c.2173C>T, p.Arg725Cys (NM_022844.3); short protein forms R732C, R725C.
Identifiers: ClinVar variation 629446 (VCV000629446.9), dbSNP rs373251357, ClinGen allele CA7922377.
Genomic context (GRCh38, chr16:15,748,054, plus strand): 5'-CCACCCAGTCCCGCTCACCCCCTGCCCTACCTGGGCCAGACCTTGGGACTTACCGTTGGC[G>A]GAACTCCTGGAAGACGATCCGGTTGGGGAAGCCCTGCCGGCAGATGCGAATGCCTTCCAG-3'
Protein context (NP_002465.1, residues 715-735): FPNRIVFQEF[Arg725Cys]QRYEILAANA

ClinVar aggregate classification (germline): Uncertain significance. Review status: criteria provided, multiple submitters, no conflicts (2 of 4 stars). 3 submissions from 3 submitters: Uncertain significance (3). Last evaluated 2025-12-18.

Conditions:
Aortic aneurysm, familial thoracic 4 (AAT4). Also called: AORTIC ANEURYSM/AORTIC DISSECTION AND PATENT DUCTUS ARTERIOSUS. Identifiers: MedGen C1851504, MONDO:0007568, OMIM 132900.
Familial thoracic aortic aneurysm and aortic dissection (TAAD). Also called: Thoracic aortic aneurysms and dissections. Identifiers: Orphanet 91387, MedGen C4707243, MONDO:0019625.

Allele frequency attached by ClinVar (database versions not stated): gnomAD 0.00001; gnomAD exomes 0.00001 and 0.00002; TOPMed 0.00002; ExAC 0.00003; ESP Exome Variant Server 0.00008.
gnomAD v4.1: 17 of 1,614,080 alleles (0.0011%); highest among the groups gnomAD compares: South Asian, 0.0055%; no homozygotes.

Submissions (3):

Color Diagnostics, LLC DBA Color Health
Classification: Uncertain significance for Familial thoracic aortic aneurysm and aortic dissection. Last evaluated: 2025-12-18. Review status: criteria provided, single submitter. Criteria: ACMG Guidelines, 2015. Collection method: clinical testing. Allele origin: germline.
Comment: This missense variant replaces arginine with cysteine at codon 732 of the MYH11 protein. Computational prediction suggests that this variant may have a deleterious impact on protein structure and function. To our knowledge, functional studies have not been reported for this variant. This variant has not been reported in individuals affected with MYH11-related disorders in the literature. This variant has been identified in 17/1614080 chromosomes in the general population by the Genome Aggregation Database (gnomAD). The available evidence is insufficient to determine the role of this variant in disease conclusively. Therefore, this variant is classified as a Variant of Uncertain Significance.

Labcorp Genetics (formerly Invitae), Labcorp
Classification: Uncertain significance for Aortic aneurysm, familial thoracic 4. Last evaluated: 2025-08-16. Review status: criteria provided, single submitter. Criteria: Invitae Variant Classification Sherloc (09022015). Collection method: clinical testing. Allele origin: germline.
Comment: This sequence change replaces arginine, which is basic and polar, with cysteine, which is neutral and slightly polar, at codon 732 of the MYH11 protein (p.Arg732Cys). This variant is present in population databases (rs373251357, gnomAD 0.01%). This variant has not been reported in the literature in individuals affected with MYH11-related conditions. ClinVar contains an entry for this variant (Variation ID: 629446). Invitae Evidence Modeling of protein sequence and biophysical properties (such as structural, functional, and spatial information, amino acid conservation, physicochemical variation, residue mobility, and thermodynamic stability) indicates that this missense variant is not expected to disrupt MYH11 protein function with a negative predictive value of 95%. In summary, the available evidence is currently insufficient to determine the role of this variant in disease. Therefore, it has been classified as a Variant of Uncertain Significance.

All of Us Research Program, National Institutes of Health
Classification: Uncertain significance for Familial thoracic aortic aneurysm and aortic dissection. Last evaluated: 2023-05-04. Review status: criteria provided, single submitter. Criteria: ACMG Guidelines, 2015. Collection method: clinical testing. Allele origin: germline. Inheritance: Autosomal dominant inheritance. Observed: 1 variant allele, 1 heterozygote.
Comment: This missense variant replaces arginine with cysteine at codon 732 of the MYH11 protein. Computational prediction suggests that this variant may have a deleterious impact on protein structure and function (internally defined REVEL score threshold >= 0.7, PMID: 27666373). To our knowledge, functional studies have not been reported for this variant. This variant has not been reported in individuals affected with MYH11-related disorders in the literature. This variant has been identified in 4/251384 chromosomes in the general population by the Genome Aggregation Database (gnomAD). The available evidence is insufficient to determine the role of this variant in disease conclusively. Therefore, this variant is classified as a Variant of Uncertain Significance.

This study involves interpretation of variants in research participants for the purpose of population health screening. Participant phenotype was not available at the time of variant classification. Additional details can be found in publication PMID: 35346344, PMCID: PMC8962531